The following is an entry in ClinVar:

ClinVar aggregate classification (germline): Likely pathogenic. Review status: criteria provided, multiple submitters, no conflicts (2 of 4 stars). 2 submissions from 2 submitters: Likely pathogenic (2). Last evaluated 2024-06-15.

Conditions:
Polycystic kidney disease, adult type (PKD1). Also called: Polycystic Kidney, Autosomal Dominant; POLYCYSTIC KIDNEY DISEASE 1 WITH OR WITHOUT POLYCYSTIC LIVER DISEASE; POLYCYSTIC KIDNEY DISEASE, ADULT, TYPE I; Polycystic Kidney Disease 1, Autosomal Dominant; Polycystic kidney disease 1; Polycystic kidney disease 1, severe. Identifiers: MedGen C3149841, MONDO:0008263, OMIM 173900.

Submissions (2):

Fulgent Genetics
Classification: Likely pathogenic for Polycystic kidney disease, adult type. Last evaluated: 2024-06-15. Review status: criteria provided, single submitter. Criteria: ACMG Guidelines, 2015. Collection method: clinical testing. Allele origin: germline.

GeneDx
Classification: Likely pathogenic. Last evaluated: 2023-02-15. Review status: criteria provided, single submitter. Criteria: GeneDx Variant Classification Process June 2021. Collection method: clinical testing. Allele origin: germline. Affected: yes.
Comment: Canonical splice site variant expected to result in aberrant splicing, although in the absence of functional evidence the actual effect of this sequence change is unknown.; Not observed at significant frequency in large population cohorts (gnomAD); Has not been previously published as pathogenic or benign to our knowledge

NM_001009944.3(PKD1):c.9569-1G>A

Gene: PKD1 (polycystin 1, transient receptor potential channel interacting; minus strand). Cytogenetic location: 16p13.3.
Variant type: single nucleotide variant.
Coding change: c.9569-1G>A on transcript NM_001009944.3 (MANE Select); the canonical splice acceptor site of the intron before coding-DNA position 9569, G replaced by A.
Molecular consequence: splice acceptor variant.
Genome position (GRCh38, 1-based): chr16:2,100,310, C>T on the plus strand (G>A on the coding strand, the complement: PKD1 is on the minus strand). VCF-style: chr16-2100310-C-T. GRCh37 (hg19) VCF-style: chr16-2150311-C-T.
Other names: c.9569-1G>A (NM_000296.4).
Identifiers: ClinVar variation 2430705 (VCV002430705.2), dbSNP rs2151741177, ClinGen allele CA394355637.
Genomic context (GRCh38, chr16:2,100,310, plus strand): 5'-TGCGTGCCGTCTGCAGGTCCCTGACGATGACGTGCTGCAGGAACCAGGCAGGGCTGAGCC[C>T]TGCAGAGGCGCAGGAGGGAGGTCAGGCTCGCAGGGCGCCCCAATGCGGGGGCAGAGGGGC-3'